The following is an entry in ClinVar:

NM_000057.4(BLM):c.3421delinsTTTTT (p.Asn1141fs)

Gene: BLM (BLM RecQ like helicase; plus strand). Cytogenetic location: 15q26.1.
Variant type: Indel.
Coding change: c.3421delinsTTTTT on transcript NM_000057.4 (MANE Select); coding-DNA position 3421, A replaced by TTTTT.
Protein change: p.Asn1141fs; shifts the reading frame from asparagine 1141.
Molecular consequence: frameshift variant. On other transcripts: intron variant (1).
Genome position (GRCh38, 1-based): chr15:90,803,583, A replaced by TTTTT. VCF-style: chr15-90803583-A-TTTTT. GRCh37 (hg19) VCF-style: chr15-91346813-A-TTTTT.
Other names: c.3421delinsTTTTT, p.Asn1141fs (NM_001287246.2); c.2296delinsTTTTT, p.Asn766fs (NM_001287248.2); c.3358+5246delinsTTTTT (NM_001287247.2); short protein forms N766fs, N1141fs.
Identifiers: ClinVar variation 1731276 (VCV001731276.5), dbSNP rs2505546989, ClinGen allele CA2580090280.

ClinVar aggregate classification (germline): Pathogenic/Likely pathogenic. Review status: criteria provided, multiple submitters, no conflicts (2 of 4 stars). 3 submissions from 3 submitters: Pathogenic (2); Likely pathogenic (1). Last evaluated 2025-11-19.

Conditions:
Hereditary cancer-predisposing syndrome. Also called: Neoplastic Syndromes, Hereditary; Tumor predisposition; Hereditary Cancer Syndrome; Hereditary neoplastic syndrome. Identifiers: Orphanet 140162, MedGen C0027672, MeSH D009386, MONDO:0015356.
Bloom syndrome (BLM). Also called: Bloom-Torre-Machacek syndrome. Identifiers: Orphanet 125, MedGen C0005859, MONDO:0008876, OMIM 210900.

Submissions (3):

Myriad Genetics, Inc.
Classification: Pathogenic for Bloom syndrome. Last evaluated: 2025-11-19. Review status: criteria provided, single submitter. Criteria: Myriad Autosomal Dominant, Autosomal Recessive and X-Linked Classification Criteria (2023). Collection method: clinical testing. Allele origin: unknown.
Comment: This variant is considered pathogenic. This variant creates a frameshift predicted to result in premature protein truncation.

Baylor Genetics
Classification: Likely pathogenic for Bloom syndrome. Last evaluated: 2024-03-21. Review status: criteria provided, single submitter. Criteria: ACMG Guidelines, 2015. Collection method: clinical testing. Allele origin: unknown.

Ambry Genetics
Classification: Pathogenic for Hereditary cancer-predisposing syndrome. Last evaluated: 2021-04-16. Review status: criteria provided, single submitter. Criteria: Ambry Variant Classification Scheme 2023. Collection method: clinical testing. Allele origin: germline.
Comment: The c.3421delAinsTTTTT pathogenic mutation, located in coding exon 17 of the BLM gene, results from the deletion of one nucleotide and insertion of 5 nucleotides causing a translational frameshift with a predicted alternate stop codon (p.N1141Ffs*8). This alteration is expected to result in loss of function by premature protein truncation or nonsense-mediated mRNA decay. As such, this alteration is interpreted as a disease-causing mutation.